The following is an entry in ClinVar:

NM_198253.3(TERT):c.2141C>T (p.Thr714Met)

Gene: TERT (telomerase reverse transcriptase; minus strand). Cytogenetic location: 5p15.33.
Variant type: single nucleotide variant.
Coding change: c.2141C>T on transcript NM_198253.3 (MANE Select); coding-DNA position 2141, C replaced by T.
Protein change: p.Thr714Met; replaces threonine 714 with methionine.
Molecular consequence: missense variant. On other transcripts: non-coding transcript variant (1).
Genome position (GRCh38, 1-based): chr5:1,278,786, G>A on the plus strand (C>T on the coding strand, the complement: TERT is on the minus strand). VCF-style: chr5-1278786-G-A. GRCh37 (hg19) VCF-style: chr5-1278901-G-A.
Other names: c.2141C>T, p.Thr714Met (NM_001193376.3); short protein forms T714M.
Identifiers: ClinVar variation 410687 (VCV000410687.18), dbSNP rs772441504, ClinGen allele CA3184642.

ClinVar aggregate classification (germline): Conflicting classifications of pathogenicity. Review status: criteria provided, conflicting classifications (1 of 4 stars). 7 submissions from 6 submitters: Uncertain significance (5); Likely benign (2). Last evaluated 2025-09-08.

Conditions:
Pulmonary fibrosis and/or bone marrow failure, Telomere-related, 1. Also called: PULMONARY FIBROSIS AND/OR BONE MARROW FAILURE SYNDROME, TELOMERE-RELATED, 1. Identifiers: Orphanet 88, MedGen C3553617, MONDO:0013878, OMIM 614742.
Dyskeratosis congenita, autosomal dominant 2. Identifiers: MedGen C3151443, MONDO:0013521, OMIM 613989.
Idiopathic Pulmonary Fibrosis. Also called: Idiopathic fibrosing alveolitis, chronic form; idiopathic fibrosing alveolitis. Identifiers: Orphanet 2032, MedGen C1800706, MeSH D054990, MONDO:0800504.
Dyskeratosis congenita. Identifiers: Orphanet 1775, MedGen C0265965, MONDO:0015780.

Allele frequency attached by ClinVar (database versions not stated): TOPMed 0.00004; gnomAD exomes 0.00008 and 0.00003; gnomAD 0.00005; ExAC 0.00006.
gnomAD v4.1: 53 of 1,613,976 alleles (0.0033%); highest among the groups gnomAD compares: Admixed American, 0.015%; no homozygotes.

Submissions (7):

Labcorp Genetics (formerly Invitae), Labcorp
Classification: Likely benign for Dyskeratosis congenita, autosomal dominant 2; Idiopathic Pulmonary Fibrosis. Last evaluated: 2025-09-08. Review status: criteria provided, single submitter. Criteria: Invitae Variant Classification Sherloc (09022015). Collection method: clinical testing. Allele origin: germline.

Ambry Genetics
Classification: Likely benign for Dyskeratosis congenita. Last evaluated: 2025-07-23. Review status: criteria provided, single submitter. Criteria: Ambry Variant Classification Scheme 2023. Collection method: clinical testing. Allele origin: germline.

Dasa
Classification: Uncertain significance. Last evaluated: 2025-04-24. Review status: criteria provided, single submitter. Criteria: DASA Assertion Criteria. Collection method: clinical testing. Allele origin: germline.
Comment: NM_198253.3(TERT):c.2141C>T (p.Thr714Met) is a missense variant that results in the substitution of threonine with methionine. This variant is rare in population databases. Computational prediction algorithms are consistent with a benign effect. The currently available literature and clinical evidence are not sufficient to establish a definitive association between this variant and the reported condition. Therefore, this variant is classified as a variant of uncertain significance.

St. Jude Molecular Pathology, St. Jude Children's Research Hospital
Classification: Uncertain significance for Dyskeratosis congenita, autosomal dominant 2. Last evaluated: 2025-02-05. Review status: criteria provided, single submitter. Criteria: St. Jude Assertion Criteria 2020. Collection method: clinical testing. Allele origin: germline.
Comment: The TERT c.2141C>T (p.Thr714Met) missense change has a maximum subpopulation frequency of 0.02% in gnomAD v2.1.1. The in silico tool REVEL predicts a benign effect on protein function, but this prediction has not been confirmed by functional studies. This variant has not been reported in individuals with dyskeratosis congenita. In summary, the evidence currently available is insufficient to determine the role of this variant in dyskeratosis congenita. It has therefore been classified as of uncertain significance.

GeneDx
Classification: Uncertain significance. Last evaluated: 2022-12-08. Review status: criteria provided, single submitter. Criteria: GeneDx Variant Classification Process June 2021. Collection method: clinical testing. Allele origin: germline. Affected: yes.
Comment: In silico analysis supports that this missense variant does not alter protein structure/function; Has not been previously published as pathogenic or benign to our knowledge; This variant is associated with the following publications: (PMID: 27149842)

Johns Hopkins Genomics, Johns Hopkins University
Classification: Uncertain significance for Dyskeratosis congenita, autosomal dominant 2. Last evaluated: 2022-12-06. Review status: criteria provided, single submitter. Criteria: ACMG Guidelines, 2015. Collection method: clinical testing. Allele origin: germline.
Comment: This TERT missense variant (rs772441504) is rare (<0.1%) in a large population dataset (gnomAD v2.1.1: 20/282726 total alleles; 0.0071%; no homozygotes). c.2141C>T in TERT has been reported in ClinVar (Variation ID 410687), but not in the literature, to our knowledge. Two bioinformatic tools queried predict that this substitution would be tolerated and while the threonine residue at this position is evolutionarily conserved across many of species assessed, several species have a different amino acid at this position, including methionine. We consider the clinical significance of c.2141C>T; p.Thr714Met in TERT to be uncertain at this time.

Johns Hopkins Genomics, Johns Hopkins University
Classification: Uncertain significance for Pulmonary fibrosis and/or bone marrow failure, Telomere-related, 1. Last evaluated: 2022-12-06. Review status: criteria provided, single submitter. Criteria: ACMG Guidelines, 2015. Collection method: clinical testing. Allele origin: germline.
Comment: the same text as in the submission from Johns Hopkins Genomics, Johns Hopkins University above.